The following is an entry in ClinVar:

ClinVar aggregate classification (germline): Uncertain significance (1 of 4 stars; one submission).

Conditions:
Hyperekplexia 2 (HKPX2). Identifiers: Orphanet 3197, MedGen C3553291, MONDO:0013828, OMIM 614619.

Allele frequency attached by ClinVar (database versions not stated): gnomAD exomes below 0.00001; TOPMed below 0.00001; gnomAD 0.00001.
gnomAD v4.1: 1 of 1,612,232 alleles (0.000062%); highest among the groups gnomAD compares: Non-Finnish European, 0.000085%; no homozygotes.

Submission:

Labcorp Genetics (formerly Invitae), Labcorp
Classification: Uncertain significance for Hyperekplexia 2. Last evaluated: 2022-09-19. Review status: criteria provided, single submitter. Criteria: Invitae Variant Classification Sherloc (09022015). Collection method: clinical testing. Allele origin: germline.
Comment: In summary, the available evidence is currently insufficient to determine the role of this variant in disease. Therefore, it has been classified as a Variant of Uncertain Significance. Advanced modeling of protein sequence and biophysical properties (such as structural, functional, and spatial information, amino acid conservation, physicochemical variation, residue mobility, and thermodynamic stability) performed at Invitae indicates that this missense variant is not expected to disrupt GLRB protein function. ClinVar contains an entry for this variant (Variation ID: 1472915). This variant has not been reported in the literature in individuals affected with GLRB-related conditions. This variant is present in population databases (no rsID available, gnomAD 0.0009%). This sequence change replaces asparagine, which is neutral and polar, with isoleucine, which is neutral and non-polar, at codon 112 of the GLRB protein (p.Asn112Ile).

NM_000824.5(GLRB):c.335A>T (p.Asn112Ile)

Gene: GLRB (glycine receptor beta; plus strand). Cytogenetic location: 4q32.1.
Variant type: single nucleotide variant.
Coding change: c.335A>T on transcript NM_000824.5 (MANE Select); coding-DNA position 335, A replaced by T.
Protein change: p.Asn112Ile; replaces asparagine 112 with isoleucine.
Molecular consequence: missense variant.
Genome position (GRCh38, 1-based): chr4:157,136,506, A>T. VCF-style: chr4-157136506-A-T. GRCh37 (hg19) VCF-style: chr4-158057658-A-T.
Other names: c.335A>T, p.Asn112Ile (NM_001166060.2, NM_001166061.2); short protein forms N112I.
Identifiers: ClinVar variation 1472915 (VCV001472915.8), dbSNP rs1228266830, ClinGen allele CA358642357.